The following is an entry in ClinVar:

ClinVar aggregate classification (germline): Uncertain significance (1 of 4 stars; one submission).

Submission:

Labcorp Genetics (formerly Invitae), Labcorp
Classification: Uncertain significance. Last evaluated: 2022-10-13. Review status: criteria provided, single submitter. Criteria: Invitae Variant Classification Sherloc (09022015). Collection method: clinical testing. Allele origin: germline.
Comment: Variants that disrupt the consensus splice site are a relatively common cause of aberrant splicing (PMID: 17576681, 9536098). Algorithms developed to predict the effect of sequence changes on RNA splicing suggest that this variant may disrupt the consensus splice site. In summary, the available evidence is currently insufficient to determine the role of this variant in disease. Therefore, it has been classified as a Variant of Uncertain Significance. This variant has not been reported in the literature in individuals affected with NRL-related conditions. This variant is not present in population databases (gnomAD no frequency). This sequence change falls in intron 2 of the NRL gene. It does not directly change the encoded amino acid sequence of the NRL protein. It affects a nucleotide within the consensus splice site.

Literature cited by the submitters: PubMed 17576681; PubMed 9536098.

NM_001354768.3(NRL):c.381+5G>T

Gene: NRL (neural retina leucine zipper; minus strand). Cytogenetic location: 14q11.2.
Variant type: single nucleotide variant.
Coding change: c.381+5G>T on transcript NM_001354768.3 (MANE Select); 5 bases into the intron after coding-DNA position 381, G replaced by T.
Molecular consequence: intron variant.
Genome position (GRCh38, 1-based): chr14:24,082,463, C>A on the plus strand (G>T on the coding strand, the complement: NRL is on the minus strand). VCF-style: chr14-24082463-C-A. GRCh37 (hg19) VCF-style: chr14-24551672-C-A.
Other names: c.381+5G>T (NM_001354769.1, NM_006177.5); c.66+320G>T (NM_001354770.2).
Identifiers: ClinVar variation 2131573 (VCV002131573.4), dbSNP rs1365474371, ClinGen allele CA2580087911.